The following is an entry in ClinVar:

NM_018972.4(GDAP1):c.404C>G (p.Ala135Gly)

Gene: GDAP1 (ganglioside induced differentiation associated protein 1; plus strand). Cytogenetic location: 8q21.11.
Variant type: single nucleotide variant.
Coding change: c.404C>G on transcript NM_018972.4 (MANE Select); coding-DNA position 404, C replaced by G.
Protein change: p.Ala135Gly; replaces alanine 135 with glycine.
Molecular consequence: missense variant. On other transcripts: intron variant (1).
Genome position (GRCh38, 1-based): chr8:74,360,230, C>G. VCF-style: chr8-74360230-C-G. GRCh37 (hg19) VCF-style: chr8-75272465-C-G.
Other names: c.200C>G, p.Ala67Gly (NM_001040875.4); c.77C>G, p.Ala26Gly (NM_001362929.2, NM_001362932.2); c.404C>G, p.Ala135Gly (NM_001362931.2); c.311-1654C>G (NM_001362930.2); short protein forms A135G, A26G, A67G.
Identifiers: ClinVar variation 1718062 (VCV001718062.5), dbSNP rs2536741411, ClinGen allele CA371548684.

ClinVar aggregate classification (germline): Uncertain significance (1 of 4 stars; one submission).

Conditions:
Charcot-Marie-Tooth disease type 4A. Also called: Charcot-Marie-Tooth disease, demyelinating, autosomal recessive, type 4a. Identifiers: Orphanet 99948, MedGen C1859198, MONDO:0008961, OMIM 214400.

Submission:

Labcorp Genetics (formerly Invitae), Labcorp
Classification: Uncertain significance for Charcot-Marie-Tooth disease type 4A. Last evaluated: 2025-06-12. Review status: criteria provided, single submitter. Criteria: Invitae Variant Classification Sherloc (09022015). Collection method: clinical testing. Allele origin: germline.
Comment: This sequence change replaces alanine, which is neutral and non-polar, with glycine, which is neutral and non-polar, at codon 135 of the GDAP1 protein (p.Ala135Gly). This variant is not present in population databases (gnomAD no frequency). This variant has not been reported in the literature in individuals affected with GDAP1-related conditions. ClinVar contains an entry for this variant (Variation ID: 1718062). Invitae Evidence Modeling of protein sequence and biophysical properties (such as structural, functional, and spatial information, amino acid conservation, physicochemical variation, residue mobility, and thermodynamic stability) indicates that this missense variant is not expected to disrupt GDAP1 protein function with a negative predictive value of 80%. In summary, the available evidence is currently insufficient to determine the role of this variant in disease. Therefore, it has been classified as a Variant of Uncertain Significance.